The following is an entry in ClinVar:

ClinVar aggregate classification (germline): Uncertain significance. Review status: criteria provided, multiple submitters, no conflicts (2 of 4 stars). 2 submissions from 2 submitters: Uncertain significance (2). Last evaluated 2022-03-03.

Conditions:
Encephalopathy, acute, infection-induced (herpes-specific), susceptibility to, 6. Also called: Herpes simplex encephalitis, susceptibility to, 4. Identifiers: Orphanet 1930, MedGen C3553869, MONDO:0013921, OMIM 614850.

Allele frequency attached by ClinVar (database versions not stated): gnomAD exomes 0.00014; gnomAD 0.00014; TOPMed 0.00019; ESP Exome Variant Server 0.00015; ExAC 0.00017; 1000 Genomes Project 0.00020; 1000 Genomes Project 30x 0.00016.
gnomAD v4.1: 358 of 1,608,408 alleles (0.022%); highest among the groups gnomAD compares: Non-Finnish European, 0.029%; no homozygotes.

Submissions (2):

Labcorp Genetics (formerly Invitae), Labcorp
Classification: Uncertain significance for Encephalopathy, acute, infection-induced (herpes-specific), susceptibility to, 6. Last evaluated: 2022-03-03. Review status: criteria provided, single submitter. Criteria: Invitae Variant Classification Sherloc (09022015). Collection method: clinical testing. Allele origin: germline.
Comment: This sequence change replaces alanine, which is neutral and non-polar, with threonine, which is neutral and polar, at codon 111 of the TICAM1 protein (p.Ala111Thr). This variant is present in population databases (rs201291933, gnomAD 0.03%). This variant has not been reported in the literature in individuals affected with TICAM1-related conditions. ClinVar contains an entry for this variant (Variation ID: 571951). Algorithms developed to predict the effect of missense changes on protein structure and function are either unavailable or do not agree on the potential impact of this missense change (SIFT: "Tolerated"; PolyPhen-2: "Possibly Damaging"; Align-GVGD: "Class C0"). In summary, the available evidence is currently insufficient to determine the role of this variant in disease. Therefore, it has been classified as a Variant of Uncertain Significance.

Ambry Genetics
Classification: Uncertain significance. Last evaluated: 2021-09-27. Review status: criteria provided, single submitter. Criteria: Ambry Variant Classification Scheme 2023. Collection method: clinical testing. Allele origin: germline.

NM_182919.4(TICAM1):c.331G>A (p.Ala111Thr)

Gene: TICAM1 (TIR domain containing adaptor molecule 1; minus strand). Cytogenetic location: 19p13.3.
Variant type: single nucleotide variant.
Coding change: c.331G>A on transcript NM_182919.4 (MANE Select); coding-DNA position 331, G replaced by A.
Protein change: p.Ala111Thr; replaces alanine 111 with threonine.
Molecular consequence: missense variant. On other transcripts: intron variant (1).
Genome position (GRCh38, 1-based): chr19:4,818,047, C>T on the plus strand (G>A on the coding strand, the complement: TICAM1 is on the minus strand). VCF-style: chr19-4818047-C-T. GRCh37 (hg19) VCF-style: chr19-4818059-C-T.
Other names: c.289G>A, p.Ala97Thr (NM_001385678.1); c.196G>A, p.Ala66Thr (NM_001385679.1); c.-71-241G>A (NM_001385680.1); c.331G>A (NM_182919.2); short protein forms A111T, A66T, A97T.
Identifiers: ClinVar variation 571951 (VCV000571951.9), dbSNP rs201291933, ClinGen allele CA9105384.